The following is an entry in ClinVar:

NM_002519.3(NPAT):c.3287C>T (p.Pro1096Leu)

Gene: NPAT (nuclear protein, coactivator of histone transcription; minus strand). Cytogenetic location: 11q22.3.
Variant type: single nucleotide variant.
Coding change: c.3287C>T on transcript NM_002519.3 (MANE Select); coding-DNA position 3287, C replaced by T.
Protein change: p.Pro1096Leu; replaces proline 1096 with leucine.
Molecular consequence: missense variant.
Genome position (GRCh38, 1-based): chr11:108,161,799, G>A on the plus strand (C>T on the coding strand, the complement: NPAT is on the minus strand). VCF-style: chr11-108161799-G-A. GRCh37 (hg19) VCF-style: chr11-108032526-G-A.
Other names: c.3308C>T, p.Pro1103Leu (NM_001321307.1); short protein forms P1103L, P1096L.
Identifiers: ClinVar variation 3407236 (VCV003407236.1).

ClinVar aggregate classification (germline): Uncertain significance (1 of 4 stars; one submission).

gnomAD v4.1: 1 of 1,613,984 alleles (0.000062%); highest among the groups gnomAD compares: East Asian, 0.0022%; no homozygotes.

Submission:

Ambry Genetics
Classification: Uncertain significance. Last evaluated: 2024-10-12. Review status: criteria provided, single submitter. Criteria: Ambry Variant Classification Scheme 2023. Collection method: clinical testing. Allele origin: germline.
Comment: The p.P1096L variant (also known as c.3287C>T), located in coding exon 17 of the NPAT gene, results from a C to T substitution at nucleotide position 3287. The proline at codon 1096 is replaced by leucine, an amino acid with similar properties. This amino acid position is conserved. In addition, this alteration is predicted to be tolerated by in silico analysis. Based on the available evidence, the clinical significance of this variant remains unclear.